The following is an entry in ClinVar:

NM_001134363.3(RBM20):c.3452-10C>T

Gene: RBM20 (RNA binding motif protein 20; plus strand). Cytogenetic location: 10q25.2.
Variant type: single nucleotide variant.
Coding change: c.3452-10C>T on transcript NM_001134363.3 (MANE Select); 10 bases into the intron before coding-DNA position 3452, C replaced by T.
Molecular consequence: intron variant.
Genome position (GRCh38, 1-based): chr10:110,831,051, C>T. VCF-style: chr10-110831051-C-T. GRCh37 (hg19) VCF-style: chr10-112590809-C-T.
Identifiers: ClinVar variation 44011 (VCV000044011.36), dbSNP rs60618533, ClinGen allele CA133375.

ClinVar aggregate classification (germline): Conflicting classifications of pathogenicity. Review status: criteria provided, conflicting classifications (1 of 4 stars). 12 submissions from 12 submitters: Uncertain significance (1); Benign (8); Likely benign (1). 2 of the submissions do not count toward it. Last evaluated 2026-02-02.

Conditions:
Cardiomyopathy (CMYO). Also called: Cardiomyopathies. Identifiers: Orphanet 167848, MedGen C0878544, MONDO:0004994, HP:0001638. Inheritance: Various modes of inheritance.
Dilated cardiomyopathy 1DD (CMD1DD). Identifiers: Orphanet 154, MedGen C2750995, MONDO:0013168, OMIM 613172.
Hypertrophic cardiomyopathy. Also called: HYPERTROPHIC MYOCARDIOPATHY. Identifiers: Orphanet 217569, MedGen C0007194, MeSH D002312, MONDO:0005045, HP:0001639.

Allele frequency attached by ClinVar (database versions not stated): gnomAD exomes 0.00030 and 0.00067; ExAC 0.00127; 1000 Genomes Project 30x 0.00265; 1000 Genomes Project 0.00280; ESP Exome Variant Server 0.00307; gnomAD 0.00334 and 0.00369; TOPMed 0.00394.
gnomAD v4.1: 957 of 1,548,620 alleles (0.062%); highest among the groups gnomAD compares: African/African-American, 1.2%; 4 homozygotes.

Submissions (12):

Labcorp Genetics (formerly Invitae), Labcorp
Classification: Benign for Dilated cardiomyopathy 1DD. Last evaluated: 2026-02-02. Review status: criteria provided, single submitter. Criteria: Invitae Variant Classification Sherloc (09022015). Collection method: clinical testing. Allele origin: germline.

Molecular Diagnostic Laboratory for Inherited Cardiovascular Disease, Montreal Heart Institute
Classification: Benign. Last evaluated: 2025-04-09. Review status: criteria provided, single submitter. Criteria: ACMG Guidelines, 2015. Collection method: clinical testing. Allele origin: germline. Affected: no.

Blueprint Genetics
Classification: Likely benign. Last evaluated: 2024-10-18. Review status: criteria provided, single submitter. Criteria: ACMG Guidelines, 2015. Collection method: clinical testing. Allele origin: germline.

ARUP Laboratories, Molecular Genetics and Genomics, ARUP Laboratories
Classification: Benign for Dilated cardiomyopathy 1DD. Last evaluated: 2022-02-08. Review status: criteria provided, single submitter. Criteria: ARUP Molecular Germline Variant Investigation Process 2021. Collection method: clinical testing. Allele origin: germline.

Women's Health and Genetics/Laboratory Corporation of America, LabCorp
Classification: Benign. Last evaluated: 2020-01-13. Review status: criteria provided, single submitter. Criteria: LabCorp Variant Classification Summary - May 2015. Collection method: clinical testing. Allele origin: germline.
Comment: Variant summary: RBM20 c.3452-10C>T alters a nucleotide located close to a canonical splice site and therefore could affect mRNA splicing, leading to a significantly altered protein sequence. 5/5 computational tools predict no significant impact on normal splicing. However, these predictions have yet to be confirmed by functional studies. The variant allele was found at a frequency of 0.0011 in 184560 control chromosomes, predominantly at a frequency of 0.011 within the African or African-American subpopulation in the gnomAD database, including 1 homozygote. The observed variant frequency within African or African-American control individuals in the gnomAD database is approximately 440 fold of the estimated maximal expected allele frequency for a pathogenic variant in RBM20 causing Cardiomyopathy phenotype (2.5e-05), strongly suggesting that the variant is a benign polymorphism. To our knowledge, no occurrence of c.3452-10C>T in individuals affected with Cardiomyopathy and no experimental evidence demonstrating its impact on protein function have been reported. Five clinical diagnostic laboratories have submitted clinical-significance assessments for this variant to ClinVar after 2014 without evidence for independent evaluation, and classified the variant as benign (4x) or VUS (1x). Based on the evidence outlined above, the variant was classified as benign.

Center for Advanced Laboratory Medicine, UC San Diego Health, University of California San Diego
Classification: Benign for Hypertrophic cardiomyopathy. Last evaluated: 2019-06-03. Review status: criteria provided, single submitter. Criteria: ACMG Guidelines, 2015. Collection method: clinical testing. Allele origin: germline. Affected: yes. Observed: 1 variant allele.

Illumina Laboratory Services, Illumina
Classification: Uncertain significance for Dilated cardiomyopathy 1DD. Last evaluated: 2018-01-13. Review status: criteria provided, single submitter. Criteria: ICSL Variant Classification Criteria 13 December 2019. Collection method: clinical testing. Allele origin: germline.

CHEO Genetics Diagnostic Laboratory, Children's Hospital of Eastern Ontario
Classification: Benign for Cardiomyopathy. Last evaluated: 2016-07-27. Review status: criteria provided, single submitter. Criteria: ACMG Guidelines, 2015. Collection method: clinical testing. Allele origin: germline. Study: Canadian Open Genetics Repository.

Laboratory for Molecular Medicine, Mass General Brigham Personalized Medicine
Classification: Benign. Last evaluated: 2015-03-11. Review status: criteria provided, single submitter. Criteria: LMM Criteria. Collection method: clinical testing. Allele origin: germline. Observed: 5 variant alleles.
Comment: 3452-10C>T in intron 12 of RBM20: This variant is not expected to have clinical significance because it has been identified in 1.1% (23/2144) of African America n chromosomes by the Exome Aggregation Consortium (ExAC; dbSNP rs60618533).

GeneDx
Classification: Benign. Last evaluated: 2014-08-03. Review status: criteria provided, single submitter. Criteria: GeneDx Variant Classification (06012015). Collection method: clinical testing. Allele origin: germline. Affected: yes.
Comment: This variant is considered likely benign or benign based on one or more of the following criteria: it is a conservative change, it occurs at a poorly conserved position in the protein, it is predicted to be benign by multiple in silico algorithms, and/or has population frequency not consistent with disease.

Clinical Genetics DNA and cytogenetics Diagnostics Lab, Erasmus MC, Erasmus Medical Center
Classification: Benign. Review status: no assertion criteria provided. Collection method: clinical testing. Allele origin: germline. Affected: yes. Study: VKGL Data-share Consensus. Not counted in ClinVar's aggregate classification.

Clinical Genetics, Academic Medical Center
Classification: Benign. Review status: no assertion criteria provided. Collection method: clinical testing. Allele origin: germline. Affected: yes. Study: VKGL Data-share Consensus. Not counted in ClinVar's aggregate classification.